The following is an entry in ClinVar:

NM_000452.3(SLC10A2):c.752C>T (p.Pro251Leu)

Gene: SLC10A2 (solute carrier family 10 member 2; minus strand). Cytogenetic location: 13q33.1.
Variant type: single nucleotide variant.
Coding change: c.752C>T on transcript NM_000452.3 (MANE Select); coding-DNA position 752, C replaced by T.
Protein change: p.Pro251Leu; replaces proline 251 with leucine.
Molecular consequence: missense variant.
Genome position (GRCh38, 1-based): chr13:103,051,266, G>A on the plus strand (C>T on the coding strand, the complement: SLC10A2 is on the minus strand). VCF-style: chr13-103051266-G-A. GRCh37 (hg19) VCF-style: chr13-103703616-G-A.
Other names: short protein forms P251L.
Identifiers: ClinVar variation 1705368 (VCV001705368.4), dbSNP rs1054582484, ClinGen allele CA255203732.
Genomic context (GRCh38, chr13:103,051,266, plus strand): 5'-CAACAGATATTACAGATTAAAATTCCCAATGTGATTTACTAAATGCCATACCTGTACCAG[G>A]GTAGACCAGCAATTCTAGCCAGAAGAAACCCCAGGGAGTAACCCGCCACAGGAAATATTG-3'
Protein context (NP_000443.2, residues 241-261): GFLLARIAGL[Pro251Leu]WYRCRTVAFE

ClinVar aggregate classification (germline): Uncertain significance. Review status: criteria provided, multiple submitters, no conflicts (2 of 4 stars). 2 submissions from 2 submitters: Uncertain significance (2). Last evaluated 2023-07-17.

Conditions:
Bile acid malabsorption, primary, 1 (PBAM1). Also called: Bile acid malabsorption, primary. Identifiers: MedGen C5561934, MONDO:0013214, OMIM 613291.

Allele frequency attached by ClinVar (database versions not stated): gnomAD exomes below 0.00001; gnomAD 0.00001.
gnomAD v4.1: 9 of 1,613,744 alleles (0.00056%); highest among the groups gnomAD compares: Middle Eastern, 0.049%; no homozygotes.

Submissions (2):

Labcorp Genetics (formerly Invitae), Labcorp
Classification: Uncertain significance. Last evaluated: 2023-07-17. Review status: criteria provided, single submitter. Criteria: Invitae Variant Classification Sherloc (09022015). Collection method: clinical testing. Allele origin: germline.
Comment: Advanced modeling of protein sequence and biophysical properties (such as structural, functional, and spatial information, amino acid conservation, physicochemical variation, residue mobility, and thermodynamic stability) performed at Invitae indicates that this missense variant is expected to disrupt SLC10A2 protein function. In summary, the available evidence is currently insufficient to determine the role of this variant in disease. Therefore, it has been classified as a Variant of Uncertain Significance. This sequence change replaces proline, which is neutral and non-polar, with leucine, which is neutral and non-polar, at codon 251 of the SLC10A2 protein (p.Pro251Leu). ClinVar contains an entry for this variant (Variation ID: 1705368). This missense change has been observed in individual(s) with allergic colitis (PMID: 30919572). This variant is not present in population databases (gnomAD no frequency).

3billion
Classification: Uncertain significance for Bile acid malabsorption, primary, 1. Last evaluated: 2022-09-01. Review status: criteria provided, single submitter. Criteria: ACMG Guidelines, 2015. Collection method: clinical testing. Allele origin: germline. Affected: yes. Observed: 1 heterozygote.
Comment: The variant is not observed in the gnomAD v2.1.1 dataset. In silico tool predictions suggest damaging effect of the variant on gene or gene product (REVEL: 0.45; 3Cnet: 0.86). Same nucleotide change resulting in same amino acid change has been previously reported to be associated with SLC10A2-related disorder (PMID: 30919572). However, the evidence of pathogenicity is insufficient at this time. Therefore, this variant is classified as uncertain significance according to the recommendation of ACMG/AMP guideline.

Literature cited by the submitters: PubMed 30919572 (cited by Labcorp Genetics (formerly Invitae), Labcorp and 3billion).